The following is an entry in ClinVar:

ClinVar aggregate classification (germline): Likely benign. Review status: criteria provided, multiple submitters, no conflicts (2 of 4 stars). 2 submissions from 2 submitters: Likely benign (2). Last evaluated 2025-02-20.

Conditions:
Breast-ovarian cancer, familial, susceptibility to, 4. Identifiers: Orphanet 145, MedGen C3280345, MONDO:0013669, OMIM 614291.

Allele frequency attached by ClinVar (database versions not stated): gnomAD exomes below 0.00001; TOPMed below 0.00001.

Submissions (2):

Myriad Genetics, Inc.
Classification: Likely benign for Breast-ovarian cancer, familial, susceptibility to, 4. Last evaluated: 2025-02-20. Review status: criteria provided, single submitter. Criteria: Myriad Autosomal Dominant, Autosomal Recessive and X-Linked Classification Criteria (2023). Collection method: clinical testing. Allele origin: unknown.
Comment: This variant is considered likely benign. This variant is intronic and is not expected to impact mRNA splicing.

Labcorp Genetics (formerly Invitae), Labcorp
Classification: Likely benign for Breast-ovarian cancer, familial, susceptibility to, 4. Last evaluated: 2024-07-06. Review status: criteria provided, single submitter. Criteria: Invitae Variant Classification Sherloc (09022015). Collection method: clinical testing. Allele origin: germline.

NM_002878.4(RAD51D):c.144+9C>T

Genes: RAD51D (RAD51 paralog D; minus strand), RAD51L3-RFFL (RAD51L3-RFFL readthrough; minus strand). Cytogenetic location: 17q12.
Variant type: single nucleotide variant.
Coding change: c.144+9C>T on transcript NM_002878.4 (MANE Select); 9 bases into the intron after coding-DNA position 144, C replaced by T.
Molecular consequence: intron variant.
Genome position (GRCh38, 1-based): chr17:35,119,102, G>A on the plus strand (C>T on the coding strand, the complement: RAD51D is on the minus strand). VCF-style: chr17-35119102-G-A. GRCh37 (hg19) VCF-style: chr17-33446121-G-A.
Other names: c.144+9C>T (NM_133629.3, NM_001142571.2).
Identifiers: ClinVar variation 756880 (VCV000756880.9), dbSNP rs1597877583, ClinGen allele CA915949994.
Genomic context (GRCh38, chr17:35,119,102, plus strand): 5'-GCCCAGCTGGCTTGGGATGGACTTTTTAAAAAGACACTCAGGTTTGGAATGTGGAGATCA[G>A]GAGCTCACCTTGTAAGACAAGCCACATTTCTGAGCTACCTCTTCCAGGTCTGCAGAAACC-3'